The following is an entry in ClinVar:

NM_004656.4(BAP1):c.48C>T (p.Thr16=)

Gene: BAP1 (BRCA1 associated deubiquitinase 1; minus strand). Cytogenetic location: 3p21.1.
Variant type: single nucleotide variant.
Coding change: c.48C>T on transcript NM_004656.4 (MANE Select); coding-DNA position 48, C replaced by T.
Protein change: p.Thr16=; no amino-acid change (threonine 16 retained).
Molecular consequence: synonymous variant.
Genome position (GRCh38, 1-based): chr3:52,409,733, G>A on the plus strand (C>T on the coding strand, the complement: BAP1 is on the minus strand). VCF-style: chr3-52409733-G-A. GRCh37 (hg19) VCF-style: chr3-52443749-G-A.
Other names: c.48C>T (NM_004656.2).
Identifiers: ClinVar variation 539930 (VCV000539930.14), dbSNP rs774965502, ClinGen allele CA2437233.

ClinVar aggregate classification (germline): Benign/Likely benign. Review status: criteria provided, multiple submitters, no conflicts (2 of 4 stars). 4 submissions from 4 submitters: Benign (1); Likely benign (3). Last evaluated 2025-06-13.

Conditions:
Hereditary cancer-predisposing syndrome. Also called: Neoplastic Syndromes, Hereditary; Hereditary Cancer Syndrome; Hereditary neoplastic syndrome; Tumor predisposition. Identifiers: Orphanet 140162, MedGen C0027672, MeSH D009386, MONDO:0015356.
BAP1-related tumor predisposition syndrome (TPDS1). Also called: COMMON Syndrome; TUMOR PREDISPOSITION SYNDROME 1; BAP1 tumor predisposition syndrome; Tumor susceptibility linked to germline BAP1 mutations. Identifiers: Orphanet 289539, MedGen C3280492, MONDO:0013692, OMIM 614327.

Allele frequency attached by ClinVar (database versions not stated): ExAC 0.00001.

Submissions (4):

Ambry Genetics
Classification: Likely benign for Hereditary cancer-predisposing syndrome. Last evaluated: 2025-06-13. Review status: criteria provided, single submitter. Criteria: Ambry Variant Classification Scheme 2023. Collection method: clinical testing. Allele origin: germline.

Myriad Genetics, Inc.
Classification: Benign for BAP1-related tumor predisposition syndrome. Last evaluated: 2024-07-11. Review status: criteria provided, single submitter. Criteria: Myriad Autosomal Dominant, Autosomal Recessive and X-Linked Classification Criteria (2023). Collection method: clinical testing. Allele origin: unknown.
Comment: This variant is considered benign. This variant is a silent/synonymous amino acid change and it is not expected to impact splicing.

Labcorp Genetics (formerly Invitae), Labcorp
Classification: Likely benign for BAP1-related tumor predisposition syndrome. Last evaluated: 2024-02-06. Review status: criteria provided, single submitter. Criteria: Invitae Variant Classification Sherloc (09022015). Collection method: clinical testing. Allele origin: germline.

Color Diagnostics, LLC DBA Color Health
Classification: Likely benign for Hereditary cancer-predisposing syndrome. Last evaluated: 2019-05-07. Review status: criteria provided, single submitter. Criteria: ACMG Guidelines, 2015. Collection method: clinical testing. Allele origin: germline.